The following is an entry in ClinVar:

NM_033305.3(VPS13A):c.1596-1G>C

Gene: VPS13A (vacuolar protein sorting 13 homolog A; plus strand). Cytogenetic location: 9q21.2.
Variant type: single nucleotide variant.
Coding change: c.1596-1G>C on transcript NM_033305.3 (MANE Select); the canonical splice acceptor site of the intron before coding-DNA position 1596, G replaced by C.
Molecular consequence: splice acceptor variant.
Genome position (GRCh38, 1-based): chr9:77,238,001, G>C. VCF-style: chr9-77238001-G-C. GRCh37 (hg19) VCF-style: chr9-79852917-G-C.
Other names: c.1596-1G>C (NM_001018038.3, NM_033305.2, NM_001018037.2 and 1 more transcripts).
Identifiers: ClinVar variation 2136780 (VCV002136780.8), dbSNP rs2537666515, ClinGen allele CA373846806.

ClinVar aggregate classification (germline): Pathogenic/Likely pathogenic. Review status: criteria provided, multiple submitters, no conflicts (2 of 4 stars). 3 submissions from 3 submitters: Pathogenic (2); Likely pathogenic (1). Last evaluated 2026-04-02.

Conditions:
VPS13A-related neurodegenerative disease. Also called: VPS13A Disease; Choreaacanthocytosis; ACANTHOCYTOSIS WITH NEUROLOGIC DISORDER; LEVINE-CRITCHLEY SYNDROME; Choreoacanthocytosis; Chorea-acanthocytosis. Identifiers: Orphanet 2388, MedGen C0393576, MONDO:0008695, OMIM 200150.

Allele frequency attached by ClinVar (database versions not stated): gnomAD exomes below 0.00001.
gnomAD v4.1: 3 of 1,589,952 alleles (0.00019%); highest among the groups gnomAD compares: Non-Finnish European, 0.00026%; no homozygotes.

Submissions (3):

Clinical Genetics Laboratory, Region Ostergotland
Classification: Pathogenic for VPS13A-related neurodegenerative disease. Last evaluated: 2026-04-02. Review status: criteria provided, single submitter. Criteria: ACMG Guidelines, 2015. Collection method: clinical testing. Allele origin: germline. Affected: yes.
Comment: The SpliceAI Acceptor Loss score for this variant is 0.99 and loss-of-function in the VPS13A gene is a known mechanism of disease (PMID:21598378, PMID:33652783). This variant is reported in gnomAD v4.1.1 (non-UKB): NFE AF 0.000008613, but is not present in the homozygous state in gnomAD. The following ACMG/AMP criteria were applied in classifying this variant as Pathogenic: PM2_supporting, PP4, PVS1

Natera, Inc.
Classification: Likely pathogenic for Choreaacanthocytosis. Last evaluated: 2025-12-23. Review status: criteria provided, single submitter. Criteria: Natera Variant Classification Schema (03/2026). Collection method: clinical testing. Allele origin: germline.
Comment: The c.1596-1G>C variant in VPS13A is a canonical splice acceptor site variant predicted to affect pre-mRNA splicing, which may result in an abnormal transcript and altered protein product. This variant is expected to result in nonsense mediated decay, truncation, or a dysfunctional protein product. This variant is rare in the general population with a frequency below the threshold expected for the associated phenotype(s). This variant has been observed in one or more individuals affected with the associated recessive disease, as either homozygous or compound heterozygous with a second variant (PMID: 15293285, 12404112). Given the available evidence, this variant is classified as Likely Pathogenic.

Labcorp Genetics (formerly Invitae), Labcorp
Classification: Pathogenic. Last evaluated: 2024-07-12. Review status: criteria provided, single submitter. Criteria: Invitae Variant Classification Sherloc (09022015). Collection method: clinical testing. Allele origin: germline.
Comment: This sequence change affects an acceptor splice site in intron 17 of the VPS13A gene. It is expected to disrupt RNA splicing. Variants that disrupt the donor or acceptor splice site typically lead to a loss of protein function (PMID: 16199547), and loss-of-function variants in VPS13A are known to be pathogenic (PMID: 12404112, 21598378). This variant is not present in population databases (gnomAD no frequency). Disruption of this splice site has been observed in individuals with chorea-acanthocytosis (PMID: 12404112). ClinVar contains an entry for this variant (Variation ID: 2136780). Algorithms developed to predict the effect of sequence changes on RNA splicing suggest that this variant may disrupt the consensus splice site. For these reasons, this variant has been classified as Pathogenic.

Literature cited by the submitters: PubMed 21598378 (cited by Clinical Genetics Laboratory, Region Ostergotland and Labcorp Genetics (formerly Invitae), Labcorp); PubMed 33652783 (cited by Clinical Genetics Laboratory, Region Ostergotland); PubMed 15293285 (cited by Natera, Inc.); PubMed 12404112 (cited by Natera, Inc. and Labcorp Genetics (formerly Invitae), Labcorp); PubMed 16199547 (cited by Labcorp Genetics (formerly Invitae), Labcorp).